The following is an entry in ClinVar:

NM_004369.4(COL6A3):c.6283-1G>A

Genes: COL6A3 (collagen type VI alpha 3 chain; minus strand), LOC122889011 (Sharpr-MPRA regulatory region 1020; plus strand). Cytogenetic location: 2q37.3.
Variant type: single nucleotide variant.
Coding change: c.6283-1G>A on transcript NM_004369.4 (MANE Select); the canonical splice acceptor site of the intron before coding-DNA position 6283, G replaced by A.
Molecular consequence: splice acceptor variant.
Genome position (GRCh38, 1-based): chr2:237,359,389, C>T on the plus strand (G>A on the coding strand, the complement: COL6A3 is on the minus strand). VCF-style: chr2-237359389-C-T. GRCh37 (hg19) VCF-style: chr2-238268032-C-T.
Other names: c.4462-1G>A (NM_057166.5); c.5665-1G>A (NM_057167.4).
Identifiers: ClinVar variation 1075768 (VCV001075768.9), dbSNP rs2106341460, ClinGen allele CA351216339.

ClinVar aggregate classification (germline): Pathogenic (1 of 4 stars; one submission).

Conditions:
Bethlem myopathy 1A. Also called: MYOPATHY, BENIGN CONGENITAL, WITH CONTRACTURES; Bethlem Muscular Dystrophy; Bethlem myopathy 1. Identifiers: Orphanet 610, MedGen CN029274, MONDO:0024530, OMIM 158810.

Allele frequency attached by ClinVar (database versions not stated): gnomAD exomes below 0.00001.
gnomAD v4.1: 1 of 1,613,784 alleles (0.000062%); highest among the groups gnomAD compares: Non-Finnish European, 0.000085%; no homozygotes.

Submission:

Labcorp Genetics (formerly Invitae), Labcorp
Classification: Pathogenic for Bethlem myopathy 1A. Last evaluated: 2022-07-18. Review status: criteria provided, single submitter. Criteria: Invitae Variant Classification Sherloc (09022015). Collection method: clinical testing. Allele origin: germline.
Comment: For these reasons, this variant has been classified as Pathogenic. Algorithms developed to predict the effect of sequence changes on RNA splicing suggest that this variant may disrupt the consensus splice site. ClinVar contains an entry for this variant (Variation ID: 1075768). Disruption of this splice site has been observed in individual(s) with autosomal dominant Ullrich congenital muscular dystrophy (PMID: 27708273, 29419890). In at least one individual the variant was observed to be de novo. This variant is not present in population databases (gnomAD no frequency). This sequence change affects an acceptor splice site in intron 17 of the COL6A3 gene. It is expected to disrupt RNA splicing. Variants that disrupt the donor or acceptor splice site typically lead to a loss of protein function (PMID: 16199547), and loss-of-function variants in COL6A3 are known to be disease-causing for autosomal recessive COL6A3 conditions (PMID: 21280092, 20976770). However, certain variants affecting donor or acceptor splice sites in the triple helical domain of COL6A3 are expected to result in in-frame exon skipping and have been reported to cause autosomal dominant COL6A3-related conditions (PMID: 18366090).

Literature cited by the submitters: PubMed 27708273; PubMed 29419890; PubMed 16199547; PubMed 21280092; PubMed 20976770; PubMed 18366090.